The following is an entry in ClinVar:

NM_005912.3(MC4R):c.523G>A (p.Ala175Thr)

Gene: MC4R (melanocortin 4 receptor; minus strand). Cytogenetic location: 18q21.32.
Variant type: single nucleotide variant.
Coding change: c.523G>A on transcript NM_005912.3 (MANE Select); coding-DNA position 523, G replaced by A.
Protein change: p.Ala175Thr; replaces alanine 175 with threonine.
Molecular consequence: missense variant.
Genome position (GRCh38, 1-based): chr18:60,371,827, C>T on the plus strand (G>A on the coding strand, the complement: MC4R is on the minus strand). VCF-style: chr18-60371827-C-T. GRCh37 (hg19) VCF-style: chr18-58039060-C-T.
Other names: short protein forms A175T.
Identifiers: ClinVar variation 14330 (VCV000014330.20), dbSNP rs121913563, ClinGen allele CA210719.
Genomic context (GRCh38, chr18:60,371,827, plus strand): 5'-TGATGACAGCACTACTATCTGAGTAAATGATGAACAAAATGCCTGAAACCGTGCAAGCTG[C>T]CCAGATACAACTTATGATGATCCCAACCCGCTTAACTGTCATAATGTTATGGTACTGGAG-3'
Protein context (NP_005903.2, residues 165-185): RVGIIISCIW[Ala175Thr]ACTVSGILFI

ClinVar aggregate classification (germline): Conflicting classifications of pathogenicity. Review status: criteria provided, conflicting classifications (1 of 4 stars). 10 submissions from 10 submitters: Uncertain significance (6); Benign (2). 2 of the submissions do not count toward it. Last evaluated 2026-09-15.

Conditions:
MC4R-related disorder. Also called: MC4R-related condition.
BODY MASS INDEX QUANTITATIVE TRAIT LOCUS 20 (BMIQ20). Also called: MELANOCORTIN 4 RECEPTOR DEFICIENCY; MC4R DEFICIENCY. Identifiers: MedGen C4759928, OMIM 618406.
Obesity. Also called: Obesity disorder. Identifiers: Orphanet 71529, MedGen C0028754, MeSH D009765, MONDO:0011122, HP:0001513.

Allele frequency attached by ClinVar (database versions not stated): gnomAD 0.00029 and 0.00031; gnomAD exomes 0.00054 and 0.00025; ExAC 0.00049; TOPMed 0.00043.
gnomAD v4.1: 447 of 1,613,960 alleles (0.028%); highest among the groups gnomAD compares: Admixed American, 0.023%; 3 homozygotes.

Submissions (10):

PreventionGenetics, part of Exact Sciences
Classification: Uncertain significance for MC4R-related condition. Last evaluated: 2026-09-15. Review status: criteria provided, single submitter. Criteria: ACMG Guidelines, 2015. Collection method: clinical testing. Allele origin: germline.
Comment: The MC4R c.523G>A variant is predicted to result in the amino acid substitution p.Ala175Thr. This variant was previously reported in an individual with severe familial obesity (Yeo et al. 2003. PubMed ID: 12588803) and in an apparently unrelated proband with severe obesity (Alfieri et al. 2010. PubMed ID: 20214954). However, this variant was also reported in unaffected control cohorts (Carlton et al. 2009. PubMed ID: 19091795) and has a minor allele frequency of up to ~1.0% in sub-populations in one large population database, including 1 homozygote. In vitro studies regarding the resulting function of the p.Ala175Thr variant protein are conflicting, with some authors reporting a mild reduction in activity or expression, and others reporting no change from wild type (Yeo et al. 2003. PubMed ID: 12588803; Farooqi et al. 2003. PubMed ID: 12646665; Mühlhaus et al. 2012. PubMed ID: 22688572; Lotta et al. 2019. PubMed ID: 31002796). At this time, the clinical significance of this variant is classified as uncertain due to the absence of conclusive functional and genetic evidence.

Labcorp Genetics (formerly Invitae), Labcorp
Classification: Benign. Last evaluated: 2025-10-31. Review status: criteria provided, single submitter. Criteria: Invitae Variant Classification Sherloc (09022015). Collection method: clinical testing. Allele origin: germline.

Women's Health and Genetics/Laboratory Corporation of America, LabCorp
Classification: Benign. Last evaluated: 2024-11-21. Review status: criteria provided, single submitter. Criteria: LabCorp Variant Classification Summary - May 2015. Collection method: clinical testing. Allele origin: germline.
Comment: Variant summary: MC4R c.523G>A (p.Ala175Thr) results in a non-conservative amino acid change located in the G-protein coupled receptors family 1 profile domain (IPR017452) of the encoded protein sequence. Three of five in-silico tools predict a benign effect of the variant on protein function. The variant allele was found at a frequency of 0.00028 in 1613960 control chromosomes in the gnomAD database, including 3 homozygotes. This frequency is not significantly higher than estimated for a pathogenic variant in MC4R causing Early Onset Obesity. c.523G>A has been reported in the literature in individuals affected with obesity, however a meta-analysis including over 900,000 individuals found no significant association of this variant with body mass index (Lotta_2019). At least one publication reports experimental evidence evaluating an impact on protein function. The most pronounced variant effect results in 30%-50% of normal activity (example, Lotta_2019). The following publications have been ascertained in the context of this evaluation (PMID: 29031731, 31002796). ClinVar contains an entry for this variant (Variation ID: 14330). Based on the evidence outlined above, the variant was classified as benign.

Fulgent Genetics
Classification: Uncertain significance for BODY MASS INDEX QUANTITATIVE TRAIT LOCUS 20. Last evaluated: 2022-05-04. Review status: criteria provided, single submitter. Criteria: ACMG Guidelines, 2015. Collection method: clinical testing. Allele origin: unknown.

Mendelics
Classification: Uncertain significance. Last evaluated: 2022-05-04. Review status: criteria provided, single submitter. Criteria: Mendelics Assertion Criteria 2019. Collection method: clinical testing. Allele origin: germline.

New York Genome Center
Classification: Uncertain significance for BODY MASS INDEX QUANTITATIVE TRAIT LOCUS 20. Last evaluated: 2022-03-15. Review status: criteria provided, single submitter. Criteria: NYGC Assertion Criteria 2020. Collection method: clinical testing. Allele origin: germline. Observed: 1 heterozygote.

Illumina Laboratory Services, Illumina
Classification: Uncertain significance for Inherited obesity. Last evaluated: 2017-04-27. Review status: criteria provided, single submitter. Criteria: ICSL Variant Classification Criteria 13 December 2019. Collection method: clinical testing. Allele origin: germline.
Comment: This variant was observed as part of a predisposition screen in an ostensibly healthy population. A literature search was performed for the gene, cDNA change, and amino acid change (where applicable). Publications were found based on this search. However, the evidence from the literature, in combination with allele frequency data from public databases where available, was not sufficient to rule this variant in or out of causing disease. Therefore, this variant is classified as a variant of unknown significance.

Breakthrough Genomics
Classification: Uncertain significance. Review status: criteria provided, single submitter. Criteria: ACMG Guidelines, 2015. Collection method: not provided. Allele origin: germline. Inheritance: Autosomal recessive inheritance. Affected: yes.

Clinical Molecular Genetics Laboratory, Johns Hopkins All Children's Hospital
Classification: Pathogenic for Obesity. Last evaluated: 2011-03-16. Review status: no assertion criteria provided. Collection method: clinical testing. Allele origin: germline. Affected: yes. Not counted in ClinVar's aggregate classification.

OMIM
Classification: Pathogenic for OBESITY (BMIQ20). Last evaluated: 2003-03-20. Review status: no assertion criteria provided. Collection method: literature only. Allele origin: germline. Not counted in ClinVar's aggregate classification.

Literature cited by the submitters: PubMed 31002796 (cited by Women's Health and Genetics/Laboratory Corporation of America, LabCorp and OMIM); PubMed 29031731 (cited by Women's Health and Genetics/Laboratory Corporation of America, LabCorp); PubMed 12588803 (cited by Illumina Laboratory Services, Illumina); PubMed 15975705 (cited by Illumina Laboratory Services, Illumina); PubMed 12646665 (cited by OMIM).